The following is an entry in ClinVar:

ClinVar aggregate classification (germline): Uncertain significance (1 of 4 stars; one submission).

Allele frequency attached by ClinVar (database versions not stated): gnomAD 0.00001; gnomAD exomes 0.00002; ExAC 0.00006; 1000 Genomes Project 30x 0.00016; 1000 Genomes Project 0.00020.

Submission:

Labcorp Genetics (formerly Invitae), Labcorp
Classification: Uncertain significance. Last evaluated: 2024-11-05. Review status: criteria provided, single submitter. Criteria: Invitae Variant Classification Sherloc (09022015). Collection method: clinical testing. Allele origin: germline.
Comment: This sequence change replaces arginine, which is basic and polar, with lysine, which is basic and polar, at codon 491 of the LRIT3 protein (p.Arg491Lys). This variant is present in population databases (rs558009953, gnomAD 0.03%). This variant has not been reported in the literature in individuals affected with LRIT3-related conditions. ClinVar contains an entry for this variant (Variation ID: 2062556). An algorithm developed to predict the effect of missense changes on protein structure and function outputs the following: PolyPhen-2: "Benign". The lysine amino acid residue is found in multiple mammalian species, which suggests that this missense change does not adversely affect protein function. In summary, the available evidence is currently insufficient to determine the role of this variant in disease. Therefore, it has been classified as a Variant of Uncertain Significance.

NM_198506.5(LRIT3):c.1472G>A (p.Arg491Lys)

Gene: LRIT3 (leucine rich repeat, Ig-like and transmembrane domains 3; plus strand). Cytogenetic location: 4q25.
Variant type: single nucleotide variant.
Coding change: c.1472G>A on transcript NM_198506.5 (MANE Select); coding-DNA position 1472, G replaced by A.
Protein change: p.Arg491Lys; replaces arginine 491 with lysine.
Molecular consequence: missense variant.
Genome position (GRCh38, 1-based): chr4:109,870,221, G>A. VCF-style: chr4-109870221-G-A. GRCh37 (hg19) VCF-style: chr4-110791377-G-A.
Other names: short protein forms R491K.
Identifiers: ClinVar variation 2062556 (VCV002062556.4), dbSNP rs558009953, ClinGen allele CA3043198.